The following is an entry in ClinVar:

NM_000540.3(RYR1):c.2774G>A (p.Gly925Glu)

Gene: RYR1 (ryanodine receptor 1; plus strand). Cytogenetic location: 19q13.2.
Variant type: single nucleotide variant.
Coding change: c.2774G>A on transcript NM_000540.3 (MANE Select); coding-DNA position 2774, G replaced by A.
Protein change: p.Gly925Glu; replaces glycine 925 with glutamic acid.
Molecular consequence: missense variant.
Genome position (GRCh38, 1-based): chr19:38,463,838, G>A. VCF-style: chr19-38463838-G-A. GRCh37 (hg19) VCF-style: chr19-38954478-G-A.
Other names: c.2774G>A, p.Gly925Glu (NM_001042723.2); short protein forms G925E.
Identifiers: ClinVar variation 2435621 (VCV002435621.8), dbSNP rs2514077857, ClinGen allele CA405632754.

ClinVar aggregate classification (germline): Uncertain significance. Review status: criteria provided, multiple submitters, no conflicts (2 of 4 stars). 3 submissions from 3 submitters: Uncertain significance (3). Last evaluated 2026-07-07.

Conditions:
Inborn genetic diseases. Identifiers: MedGen C0950123, MeSH D030342.
RYR1-related disorder. Also called: RYR1-related condition; RYR1-related disorders. Identifiers: MedGen CN239331.

Allele frequency attached by ClinVar (database versions not stated): gnomAD exomes 0.00001.
gnomAD v4.1: 11 of 1,613,868 alleles (0.00068%); highest among the groups gnomAD compares: Non-Finnish European, 0.00093%; no homozygotes.

Submissions (3):

Ambry Genetics
Classification: Uncertain significance for Inborn genetic diseases. Last evaluated: 2026-07-07. Review status: criteria provided, single submitter. Criteria: Ambry Variant Classification Scheme 2023. Collection method: clinical testing. Allele origin: germline.
Comment: The p.G925E variant (also known as c.2774G>A), located in coding exon 22 of the RYR1 gene, results from a G to A substitution at nucleotide position 2774. The glycine at codon 925 is replaced by glutamic acid, an amino acid with similar properties. This amino acid position is conserved. In addition, the in silico prediction for this alteration is inconclusive. Based on the available evidence, the clinical significance of this variant remains unclear.

Labcorp Genetics (formerly Invitae), Labcorp
Classification: Uncertain significance for RYR1-related disorder. Last evaluated: 2025-07-30. Review status: criteria provided, single submitter. Criteria: Invitae Variant Classification Sherloc (09022015). Collection method: clinical testing. Allele origin: germline.
Comment: This sequence change replaces glycine, which is neutral and non-polar, with glutamic acid, which is acidic and polar, at codon 925 of the RYR1 protein (p.Gly925Glu). This variant is not present in population databases (gnomAD no frequency). This variant has not been reported in the literature in individuals affected with RYR1-related conditions. ClinVar contains an entry for this variant (Variation ID: 2435621). Invitae Evidence Modeling of protein sequence and biophysical properties (such as structural, functional, and spatial information, amino acid conservation, physicochemical variation, residue mobility, and thermodynamic stability) indicates that this missense variant is not expected to disrupt RYR1 protein function with a negative predictive value of 95%. In summary, the available evidence is currently insufficient to determine the role of this variant in disease. Therefore, it has been classified as a Variant of Uncertain Significance.

Revvity Omics, Revvity
Classification: Uncertain significance. Last evaluated: 2021-10-25. Review status: criteria provided, single submitter. Criteria: ACMG Guidelines, 2015. Collection method: clinical testing. Allele origin: germline.